The following is an entry in ClinVar:

ClinVar aggregate classification (germline): Benign (1 of 4 stars; one submission).

Allele frequency attached by ClinVar (database versions not stated): gnomAD exomes 0.00181 and 0.00502; ExAC 0.00646; 1000 Genomes Project 0.01957; gnomAD 0.01976 and 0.02118; 1000 Genomes Project 30x 0.02124; ESP Exome Variant Server 0.02145; TOPMed 0.02245.
gnomAD v4.1: 5,452 of 1,447,720 alleles (0.38%); highest among the groups gnomAD compares: African/African-American, 6.7%; 161 homozygotes.

Submissions (4):

GeneDx
Classification: Benign. Last evaluated: 2018-06-16. Review status: criteria provided, single submitter. Criteria: GeneDx Variant Classification (06012015). Collection method: clinical testing. Allele origin: germline. Affected: yes.
Comment: This variant is considered likely benign or benign based on one or more of the following criteria: it is a conservative change, it occurs at a poorly conserved position in the protein, it is predicted to be benign by multiple in silico algorithms, and/or has population frequency not consistent with disease.

Dr. Peter K. Rogan Lab, Western University
No classification provided (evidence only). Condition: Acute myeloid leukemia. Review status: no classification provided. Collection method: in vitro. Allele origin: not applicable. Functional consequence: retained intron. Not counted in ClinVar's aggregate classification.

Dr. Peter K. Rogan Lab, Western University
No classification provided (evidence only). Condition: Uterine corpus endometrial carcinoma. Review status: no classification provided. Collection method: in vitro. Allele origin: not applicable. Functional consequence: retained intron. Not counted in ClinVar's aggregate classification.

Dr. Peter K. Rogan Lab, Western University
No classification provided (evidence only). Condition: Uterine corpus endometrial carcinoma. Review status: no classification provided. Collection method: in vitro. Allele origin: not applicable. Functional consequence: retained intron. Not counted in ClinVar's aggregate classification.

NM_006059.4(LAMC3):c.3494+46G>T

Gene: LAMC3 (laminin subunit gamma 3; plus strand). Cytogenetic location: 9q34.12.
Variant type: single nucleotide variant.
Coding change: c.3494+46G>T on transcript NM_006059.4 (MANE Select); 46 bases into the intron after coding-DNA position 3494, G replaced by T.
Molecular consequence: intron variant.
Genome position (GRCh38, 1-based): chr9:131,073,367, G>T. VCF-style: chr9-131073367-G-T. GRCh37 (hg19) VCF-style: chr9-133948754-G-T.
Other names: NC_000009.11:g.133948754G>T.
Identifiers: ClinVar variation 675952 (VCV000675952.2), dbSNP rs12340386, ClinGen allele CA5287815.